The following is an entry in ClinVar:

NM_001099922.3(ALG13):c.2033_2038del (p.Tyr678_Gly680delinsCys)

Gene: ALG13 (ALG13 UDP-N-acetylglucosaminyltransferase subunit; plus strand). Cytogenetic location: Xq23.
Variant type: Deletion.
Coding change: c.2033_2038del on transcript NM_001099922.3 (MANE Select); coding-DNA positions 2033 to 2038, 6 bases deleted (ACCCAG; older notation c.2033_2038delACCCAG).
Protein change: p.Tyr678_Gly680delinsCys.
Molecular consequence: inframe indel. On other transcripts: non-coding transcript variant (1).
Genome position (GRCh38, 1-based): chrX:111,727,388-111,727,393, ACCCAG deleted. VCF-style (leftmost placement, unchanged base first): chrX-111727387-TACCCAG-T. GRCh37 (hg19) VCF-style: chrX-110970615-TACCCAG-T.
Other names: c.1721_1726del, p.Tyr574_Gly576delinsCys (NM_001257230.2, NM_001257234.2, NM_001257237.2); c.1799_1804del, p.Tyr600_Gly602delinsCys (NM_001257231.2); c.2033_2038del, p.Tyr678_Gly680delinsCys (NM_001324292.2); c.1547_1552del, p.Tyr516_Gly518delinsCys (NM_001324293.1).
Identifiers: ClinVar variation 936461 (VCV000936461.11), dbSNP rs764031698, ClinGen allele CA10493810.

ClinVar aggregate classification (germline): Uncertain significance. Review status: criteria provided, multiple submitters, no conflicts (2 of 4 stars). 3 submissions from 3 submitters: Uncertain significance (3). Last evaluated 2024-02-23.

Conditions:
Developmental and epileptic encephalopathy, 36 (DEE36). Also called: Epileptic encephalopathy, early infantile, 36; ALG13-CDG; Congenital disorder of glycosylation, type Is. Identifiers: Orphanet 324422, MedGen C4317295, MONDO:0010472, OMIM 300884.

Allele frequency attached by ClinVar (database versions not stated): ExAC 0.00001; gnomAD exomes 0.00001 and 0.00002; TOPMed 0.00001.

Submissions (3):

Labcorp Genetics (formerly Invitae), Labcorp
Classification: Uncertain significance for Developmental and epileptic encephalopathy, 36. Last evaluated: 2024-02-23. Review status: criteria provided, single submitter. Criteria: Invitae Variant Classification Sherloc (09022015). Collection method: clinical testing. Allele origin: germline.
Comment: This variant, c.2033_2038del, is a complex sequence change that results in the deletion of 3 and insertion of 1 amino acid(s) in the ALG13 protein (p.Tyr678_Gly680delinsCys). This variant is present in population databases (rs764031698, gnomAD 0.001%). This variant has not been reported in the literature in individuals affected with ALG13-related conditions. ClinVar contains an entry for this variant (Variation ID: 936461). Experimental studies and prediction algorithms are not available or were not evaluated, and the functional significance of this variant is currently unknown. In summary, the available evidence is currently insufficient to determine the role of this variant in disease. Therefore, it has been classified as a Variant of Uncertain Significance.

Fulgent Genetics
Classification: Uncertain significance for Developmental and epileptic encephalopathy, 36. Last evaluated: 2022-02-04. Review status: criteria provided, single submitter. Criteria: ACMG Guidelines, 2015. Collection method: clinical testing. Allele origin: unknown.

GeneDx
Classification: Uncertain significance. Last evaluated: 2021-11-17. Review status: criteria provided, single submitter. Criteria: GeneDx Variant Classification Process June 2021. Collection method: clinical testing. Allele origin: germline. Affected: yes.
Comment: Has not been previously published as pathogenic or benign to our knowledge; In silico analysis supports a deleterious effect on protein structure/function; In-frame deletion of 3 amino acids and insertion of 1 amino acid in a non-repeat region